The following is an entry in ClinVar:

NM_004168.4(SDHA):c.1663G>T (p.Gly555Ter)

Gene: SDHA (succinate dehydrogenase complex flavoprotein subunit A; plus strand). Cytogenetic location: 5p15.33.
Variant type: single nucleotide variant.
Coding change: c.1663G>T on transcript NM_004168.4 (MANE Select); coding-DNA position 1663, G replaced by T.
Protein change: p.Gly555Ter; replaces glycine 555 with a stop codon.
Molecular consequence: nonsense. On other transcripts: intron variant (1).
Genome position (GRCh38, 1-based): chr5:251,103, G>T. VCF-style: chr5-251103-G-T. GRCh37 (hg19) VCF-style: chr5-251218-G-T.
Other names: NC_000005.9:g.251218G>T; c.1519G>T, p.Gly507Ter (NM_001294332.2); c.1552-3290G>T (NM_001330758.2); short protein forms G507*, G555*.
Identifiers: ClinVar variation 3148534 (VCV003148534.3), dbSNP rs1392860800, ClinGen allele CA358999014.

ClinVar aggregate classification (germline): Pathogenic. Review status: criteria provided, multiple submitters, no conflicts (2 of 4 stars). 2 submissions from 2 submitters: Pathogenic (2). Last evaluated 2025-09-05.

Conditions:
Mitochondrial complex II deficiency, nuclear type 1. Also called: SUCCINATE CoQ REDUCTASE DEFICIENCY. Identifiers: Orphanet 3208, MedGen C5700310, MONDO:0100294, OMIM 252011.
Pheochromocytoma/paraganglioma syndrome 5. Also called: Paragangliomas 5; SDHA-Related Hereditary Paraganglioma-Pheochromocytoma Syndrome. Identifiers: Orphanet 29072, MedGen C3279992, MONDO:0013602, OMIM 614165.

Allele frequency attached by ClinVar (database versions not stated): gnomAD exomes below 0.00001.
gnomAD v4.1: 2 of 1,611,586 alleles (0.00012%); highest among the groups gnomAD compares: South Asian, 0.0022%; no homozygotes.

Submissions (3):

Labcorp Genetics (formerly Invitae), Labcorp
Classification: Pathogenic for Pheochromocytoma/paraganglioma syndrome 5; Mitochondrial complex II deficiency, nuclear type 1. Last evaluated: 2025-09-05. Review status: criteria provided, single submitter. Criteria: Invitae Variant Classification Sherloc (09022015). Collection method: clinical testing. Allele origin: germline.
Comment: This sequence change creates a premature translational stop signal (p.Gly555*) in the SDHA gene. It is expected to result in an absent or disrupted protein product. Loss-of-function variants in SDHA are known to be pathogenic (PMID: 22974104, 24781757). This variant is present in population databases (no rsID available, gnomAD 0.003%). This variant has not been reported in the literature in individuals affected with SDHA-related conditions. ClinVar contains an entry for this variant (Variation ID: 3148534). Algorithms developed to predict the effect of sequence changes on RNA splicing suggest that this variant may disrupt the consensus splice site. For these reasons, this variant has been classified as Pathogenic.

Myriad Genetics, Inc.
Classification: Pathogenic for Pheochromocytoma/paraganglioma syndrome 5. Last evaluated: 2024-02-08. Review status: criteria provided, single submitter. Criteria: Myriad Autosomal Dominant, Autosomal Recessive and X-Linked Classification Criteria (2023). Collection method: clinical testing. Allele origin: unknown.
Comment: This variant is considered pathogenic. This variant creates a termination codon and is predicted to result in premature protein truncation.

Dr. Peter K. Rogan Lab, Western University
No classification provided (evidence only). Condition: Lung cancer. Review status: no classification provided. Collection method: in vitro. Allele origin: not applicable. Functional consequence: retained intron. Not counted in ClinVar's aggregate classification.

Literature cited by the submitters: PubMed 22974104 (cited by Labcorp Genetics (formerly Invitae), Labcorp); PubMed 24781757 (cited by Labcorp Genetics (formerly Invitae), Labcorp).